The following is an entry in ClinVar:

ClinVar aggregate classification (germline): Conflicting classifications of pathogenicity. Review status: criteria provided, conflicting classifications (1 of 4 stars). 2 submissions from 2 submitters: Uncertain significance (1); Likely benign (1). Last evaluated 2023-09-07.

Conditions:
Hereditary cancer-predisposing syndrome. Also called: Hereditary neoplastic syndrome; Neoplastic Syndromes, Hereditary; Tumor predisposition; Hereditary Cancer Syndrome. Identifiers: Orphanet 140162, MedGen C0027672, MeSH D009386, MONDO:0015356.
Familial adenomatous polyposis 1 (FAP1). Also called: POLYPOSIS, ADENOMATOUS INTESTINAL; FAMILIAL ADENOMATOUS POLYPOSIS 1, ATTENUATED. Identifiers: MedGen C2713442, MONDO:0021056, OMIM 175100. Disease mechanism: loss of function.

Allele frequency attached by ClinVar (database versions not stated): gnomAD exomes 0.00001 and 0.00002; ExAC 0.00003.
gnomAD v4.1: 5 of 1,614,126 alleles (0.00031%); highest among the groups gnomAD compares: East Asian, 0.0067%; no homozygotes.

Submissions (2):

Ambry Genetics
Classification: Likely benign for Hereditary cancer-predisposing syndrome. Last evaluated: 2023-09-07. Review status: criteria provided, single submitter. Criteria: Ambry Variant Classification Scheme 2023. Collection method: clinical testing. Allele origin: germline.

Labcorp Genetics (formerly Invitae), Labcorp
Classification: Uncertain significance for Familial adenomatous polyposis 1. Last evaluated: 2019-02-22. Review status: criteria provided, single submitter. Criteria: Invitae Variant Classification Sherloc (09022015). Collection method: clinical testing. Allele origin: germline.
Comment: Algorithms developed to predict the effect of missense changes on protein structure and function (SIFT, PolyPhen-2, Align-GVGD) all suggest that this variant is likely to be tolerated, but these predictions have not been confirmed by published functional studies and their clinical significance is uncertain. In summary, the available evidence is currently insufficient to determine the role of this variant in disease. Therefore, it has been classified as a Variant of Uncertain Significance. This variant has not been reported in the literature in individuals with APC-related disease. This sequence change replaces histidine with arginine at codon 2063 of the APC protein (p.His2063Arg). The histidine residue is weakly conserved and there is a small physicochemical difference between histidine and arginine. This variant is present in population databases (rs764000877, ExAC 0.02%).

NM_000038.6(APC):c.6188A>G (p.His2063Arg)

Gene: APC (APC regulator of Wnt signaling pathway; plus strand). Cytogenetic location: 5q22.2.
Variant type: single nucleotide variant.
Coding change: c.6188A>G on transcript NM_000038.6 (MANE Select); coding-DNA position 6188, A replaced by G.
Protein change: p.His2063Arg; replaces histidine 2063 with arginine.
Molecular consequence: missense variant.
Genome position (GRCh38, 1-based): chr5:112,841,782, A>G. VCF-style: chr5-112841782-A-G. GRCh37 (hg19) VCF-style: chr5-112177479-A-G.
Other names: c.6188A>G, p.His2063Arg (NM_001127510.3, NM_001354895.2); c.6134A>G, p.His2045Arg (NM_001127511.3); c.6242A>G, p.His2081Arg (NM_001354896.2); c.6218A>G, p.His2073Arg (NM_001354897.2); c.6113A>G, p.His2038Arg (NM_001354898.2); c.6104A>G, p.His2035Arg (NM_001354899.2); c.6065A>G, p.His2022Arg (NM_001354900.2); c.6011A>G, p.His2004Arg (NM_001354901.2); and 5 more; short protein forms H1962R, H2004R, H1972R, H2022R, H2038R, H2045R, H2063R, H2081R.
Identifiers: ClinVar variation 835809 (VCV000835809.12), dbSNP rs764000877, ClinGen allele CA044057.
Genomic context (GRCh38, chr5:112,841,782, plus strand): 5'-TAAGCTCCGCAATGCCAAAAAAGAAAAAGCCTTCAAGACTCAAGGGTGATAATGAAAAAC[A>G]TAGTCCCAGAAATATGGGTGGCATATTAGGTGAAGATCTGACACTTGATTTGAAAGATAT-3'
Protein context (NP_000029.2, residues 2053-2073): PSRLKGDNEK[His2063Arg]SPRNMGGILG